The following is an entry in ClinVar:

ClinVar aggregate classification (germline): Uncertain significance (1 of 4 stars; one submission).

Conditions:
Epidermodysplasia verruciformis. Identifiers: Orphanet 302, MedGen C0014522, MONDO:0009176.

Submission:

Labcorp Genetics (formerly Invitae), Labcorp
Classification: Uncertain significance for Epidermodysplasia verruciformis. Last evaluated: 2020-06-09. Review status: criteria provided, single submitter. Criteria: Invitae Variant Classification Sherloc (09022015). Collection method: clinical testing. Allele origin: germline.
Comment: This sequence change replaces asparagine with serine at codon 567 of the TMC8 protein (p.Asn567Ser). The asparagine residue is moderately conserved and there is a small physicochemical difference between asparagine and serine. This variant is not present in population databases (ExAC no frequency). This variant has not been reported in the literature in individuals with TMC8-related conditions. Algorithms developed to predict the effect of missense changes on protein structure and function are either unavailable or do not agree on the potential impact of this missense change (SIFT: "Tolerated"; PolyPhen-2: "Possibly Damaging"; Align-GVGD: "Class C0"). Algorithms developed to predict the effect of sequence changes on RNA splicing suggest that this variant may create or strengthen a splice site, but this prediction has not been confirmed by published transcriptional studies. In summary, the available evidence is currently insufficient to determine the role of this variant in disease. Therefore, it has been classified as a Variant of Uncertain Significance.

NM_152468.5(TMC8):c.1700A>G (p.Asn567Ser)

Gene: TMC8 (transmembrane channel like 8; plus strand). Cytogenetic location: 17q25.3.
Variant type: single nucleotide variant.
Coding change: c.1700A>G on transcript NM_152468.5 (MANE Select); coding-DNA position 1700, A replaced by G.
Protein change: p.Asn567Ser; replaces asparagine 567 with serine.
Molecular consequence: missense variant.
Genome position (GRCh38, 1-based): chr17:78,138,609, A>G. VCF-style: chr17-78138609-A-G. GRCh37 (hg19) VCF-style: chr17-76134690-A-G.
Other names: short protein forms N567S.
Identifiers: ClinVar variation 1004562 (VCV001004562.9), dbSNP rs2075296638, ClinGen allele CA401251862.